The following is an entry in ClinVar:

NM_206933.4(USH2A):c.14091del (p.Phe4697fs)

Gene: USH2A (usherin; minus strand). Cytogenetic location: 1q41.
Variant type: Deletion.
Coding change: c.14091del on transcript NM_206933.4 (MANE Select); coding-DNA position 14091, one base deleted (T; older notation c.14091delT).
Protein change: p.Phe4697fs; shifts the reading frame from phenylalanine 4697.
Molecular consequence: frameshift variant.
Genome position (GRCh38, 1-based): chr1:215,671,014, A deleted on the plus strand (T on the coding strand, the reverse complement: USH2A is on the minus strand); the first of 4 consecutive A bases (chr1:215,671,014-215,671,017); deleting any one gives the same sequence. VCF-style (leftmost placement, unchanged base first): chr1-215671013-TA-T. GRCh37 (hg19) VCF-style: chr1-215844355-TA-T.
Other names: short protein forms F4697fs.
Identifiers: ClinVar variation 1069040 (VCV001069040.9), dbSNP rs2102661189, ClinGen allele CA2499214434.
Genomic context (GRCh38, chr1:215,671,013, plus strand): 5'-TATAATACACATTTCTTACCTGATACTCATACTCTGTGAAAGGCAATAGTTCGGAATCTA[TA>T]AAAGATGTTGAGCTTCCGTTATAGATTAGGACTGGATTGGATTTTCTAGGCTGAGTTGCT-3'

ClinVar aggregate classification (germline): Pathogenic (1 of 4 stars; one submission).

Submission:

Labcorp Genetics (formerly Invitae), Labcorp
Classification: Pathogenic. Last evaluated: 2024-01-04. Review status: criteria provided, single submitter. Criteria: Invitae Variant Classification Sherloc (09022015). Collection method: clinical testing. Allele origin: germline.
Comment: This sequence change creates a premature translational stop signal (p.Phe4697Leufs*2) in the USH2A gene. It is expected to result in an absent or disrupted protein product. Loss-of-function variants in USH2A are known to be pathogenic (PMID: 10729113, 10909849, 20507924, 25649381). This variant is not present in population databases (gnomAD no frequency). This premature translational stop signal has been observed in individual(s) with Usher syndrome (PMID: 27460420). ClinVar contains an entry for this variant (Variation ID: 1069040). For these reasons, this variant has been classified as Pathogenic.

Literature cited by the submitters: PubMed 10729113; PubMed 10909849; PubMed 20507924; PubMed 25649381; PubMed 27460420.